The following is an entry in ClinVar:

ClinVar aggregate classification (germline): Uncertain significance (1 of 4 stars; one submission).

Allele frequency attached by ClinVar (database versions not stated): gnomAD exomes below 0.00001.
gnomAD v4.1: 2 of 1,206,548 alleles (0.00017%); highest among the groups gnomAD compares: Non-Finnish European, 0.00011%; no homozygotes.

Submission:

GeneDx
Classification: Uncertain significance. Last evaluated: 2019-07-02. Review status: criteria provided, single submitter. Criteria: GeneDx Variant Classification Process June 2021. Collection method: clinical testing. Allele origin: germline. Affected: yes.
Comment: Not observed in large population cohorts (Lek et al., 2016); In silico analysis, which includes protein predictors and evolutionary conservation, supports that this variant does not alter protein structure/function; Has not been previously published as pathogenic or benign to our knowledge

NM_181672.3(OGT):c.2388A>T (p.Gln796His)

Gene: OGT (O-linked N-acetylglucosamine (GlcNAc) transferase; plus strand). Cytogenetic location: Xq13.1.
Variant type: single nucleotide variant.
Coding change: c.2388A>T on transcript NM_181672.3 (MANE Select); coding-DNA position 2388, A replaced by T.
Protein change: p.Gln796His; replaces glutamine 796 with histidine.
Molecular consequence: missense variant.
Genome position (GRCh38, 1-based): chrX:71,563,451, A>T. VCF-style: chrX-71563451-A-T. GRCh37 (hg19) VCF-style: chrX-70783301-A-T.
Other names: c.2358A>T, p.Gln786His (NM_181673.3); short protein forms Q786H, Q796H.
Identifiers: ClinVar variation 1306410 (VCV001306410.2), dbSNP rs2040397501, ClinGen allele CA413565453.